The following is an entry in ClinVar:

ClinVar aggregate classification (germline): Uncertain significance (1 of 4 stars; one submission).

Conditions:
Hereditary cancer-predisposing syndrome. Also called: Neoplastic Syndromes, Hereditary; Hereditary Cancer Syndrome; Hereditary neoplastic syndrome; Tumor predisposition. Identifiers: Orphanet 140162, MedGen C0027672, MeSH D009386, MONDO:0015356.

Allele frequency attached by ClinVar (database versions not stated): ExAC 0.00001.
gnomAD v4.1: 1 of 1,613,822 alleles (0.000062%); highest among the groups gnomAD compares: South Asian, 0.0011%; no homozygotes.

Submission:

Ambry Genetics
Classification: Uncertain significance for Hereditary cancer-predisposing syndrome. Last evaluated: 2023-03-24. Review status: criteria provided, single submitter. Criteria: Ambry Variant Classification Scheme 2023. Collection method: clinical testing. Allele origin: germline.
Comment: The p.L1033F variant (also known as c.3099G>C), located in coding exon 22 of the MSH3 gene, results from a G to C substitution at nucleotide position 3099. The leucine at codon 1033 is replaced by phenylalanine, an amino acid with highly similar properties. This amino acid position is conserved. In addition, the in silico prediction for this alteration is inconclusive. Since supporting evidence is limited at this time, the clinical significance of this alteration remains unclear.

NM_002439.5(MSH3):c.3099G>C (p.Leu1033Phe)

Gene: MSH3 (mutS homolog 3; plus strand). Cytogenetic location: 5q14.1.
Variant type: single nucleotide variant.
Coding change: c.3099G>C on transcript NM_002439.5 (MANE Select); coding-DNA position 3099, G replaced by C.
Protein change: p.Leu1033Phe; replaces leucine 1033 with phenylalanine.
Molecular consequence: missense variant.
Genome position (GRCh38, 1-based): chr5:80,864,911, G>C. VCF-style: chr5-80864911-G-C. GRCh37 (hg19) VCF-style: chr5-80160730-G-C.
Other names: short protein forms L1033F.
Identifiers: ClinVar variation 2565641 (VCV002565641.2), dbSNP rs753087326, ClinGen allele CA3328446.